The following is an entry in ClinVar:

ClinVar aggregate classification (germline): Uncertain significance (1 of 4 stars; one submission).

Conditions:
Neurofibromatosis, type 1 (NF1). Also called: VON RECKLINGHAUSEN DISEASE; Peripheral type neurofibromatosis; NEUROFIBROMATOSIS, TYPE I, SOMATIC; Neurofibromatosis, type I. Identifiers: Orphanet 636, MedGen C0027831, MONDO:0018975, OMIM 162200. Disease mechanism: loss of function.

Submission:

Labcorp Genetics (formerly Invitae), Labcorp
Classification: Uncertain significance for Neurofibromatosis, type 1. Last evaluated: 2024-05-23. Review status: criteria provided, single submitter. Criteria: Invitae Variant Classification Sherloc (09022015). Collection method: clinical testing. Allele origin: germline.
Comment: This sequence change replaces asparagine, which is neutral and polar, with aspartic acid, which is acidic and polar, at codon 66 of the NF1 protein (p.Asn66Asp). This variant is not present in population databases (gnomAD no frequency). This variant has not been reported in the literature in individuals affected with NF1-related conditions. Advanced modeling of protein sequence and biophysical properties (such as structural, functional, and spatial information, amino acid conservation, physicochemical variation, residue mobility, and thermodynamic stability) has been performed at Invitae for this missense variant, however the output from this modeling did not meet the statistical confidence thresholds required to predict the impact of this variant on NF1 protein function. In summary, the available evidence is currently insufficient to determine the role of this variant in disease. Therefore, it has been classified as a Variant of Uncertain Significance.

NM_001042492.3(NF1):c.196A>G (p.Asn66Asp)

Gene: NF1 (neurofibromin 1; plus strand). Cytogenetic location: 17q11.2.
Variant type: single nucleotide variant.
Coding change: c.196A>G on transcript NM_001042492.3 (MANE Select); coding-DNA position 196, A replaced by G.
Protein change: p.Asn66Asp; replaces asparagine 66 with aspartic acid.
Molecular consequence: missense variant.
Genome position (GRCh38, 1-based): chr17:31,156,118, A>G. VCF-style: chr17-31156118-A-G. GRCh37 (hg19) VCF-style: chr17-29483136-A-G.
Other names: c.196A>G, p.Asn66Asp (NM_000267.4, NM_001128147.3); short protein forms N66D.
Identifiers: ClinVar variation 3634476 (VCV003634476.2).